The following is an entry in ClinVar:

ClinVar aggregate classification (germline): Likely benign. Review status: criteria provided, multiple submitters, no conflicts (2 of 4 stars). 3 submissions from 3 submitters: Likely benign (3). Last evaluated 2025-09-05.

Conditions:
Neuropathy, hereditary sensory and autonomic, type 2A (HSAN2A). Also called: WNK1-Related HSAN2 (HSAN2A); HSAN IIA; ACROOSTEOLYSIS, GIACCAI TYPE; ACROOSTEOLYSIS, NEUROGENIC; MORVAN DISEASE; NEUROPATHY, CONGENITAL SENSORY. Identifiers: Orphanet 970, MedGen C2752089, MONDO:0024309, OMIM 201300.
Pseudohypoaldosteronism type 2C (PHA2C). Also called: Pseudohypoaldosteronism Type IIC. Identifiers: Orphanet 757, Orphanet 88940, MedGen C1840391, MONDO:0013778, OMIM 614492.
WNK1-related disorder. Also called: WNK1-related condition.

Allele frequency attached by ClinVar (database versions not stated): gnomAD exomes 0.00002; gnomAD 0.00013; TOPMed 0.00025; ESP Exome Variant Server 0.00031.
gnomAD v4.1: 41 of 1,613,990 alleles (0.0025%); highest among the groups gnomAD compares: African/African-American, 0.049%; no homozygotes.

Submissions (3):

PreventionGenetics, part of Exact Sciences
Classification: Likely benign for WNK1-related condition. Last evaluated: 2025-09-05. Review status: criteria provided, single submitter. Criteria: ACMG Guidelines, 2015. Collection method: clinical testing. Allele origin: germline.
Comment: This variant is classified as likely benign based on ACMG/AMP sequence variant interpretation guidelines (Richards et al. 2015 PMID: 25741868, with internal and published modifications).

Labcorp Genetics (formerly Invitae), Labcorp
Classification: Likely benign for Neuropathy, hereditary sensory and autonomic, type 2A; Pseudohypoaldosteronism type 2C. Last evaluated: 2024-04-05. Review status: criteria provided, single submitter. Criteria: Invitae Variant Classification Sherloc (09022015). Collection method: clinical testing. Allele origin: germline.

Breakthrough Genomics
Classification: Likely benign. Review status: criteria provided, single submitter. Criteria: ACMG Guidelines, 2015. Collection method: not provided. Allele origin: germline. Inheritance: Autosomal recessive inheritance. Affected: yes.

NM_018979.4(WNK1):c.2268G>A (p.Gln756=)

Gene: WNK1 (WNK lysine deficient protein kinase 1; plus strand). Cytogenetic location: 12p13.33.
Variant type: single nucleotide variant.
Coding change: c.2268G>A on transcript NM_018979.4 (MANE Select); coding-DNA position 2268, G replaced by A.
Protein change: p.Gln756=; no amino-acid change (glutamine 756 retained).
Molecular consequence: synonymous variant.
Genome position (GRCh38, 1-based): chr12:878,256, G>A. VCF-style: chr12-878256-G-A. GRCh37 (hg19) VCF-style: chr12-987422-G-A.
Other names: c.3507G>A, p.Gln1169= (NM_001184985.2); c.2265G>A, p.Gln755= (NM_014823.3); c.3762G>A, p.Gln1254= (NM_213655.5); c.2268G>A (NM_018979.3).
Identifiers: ClinVar variation 1157154 (VCV001157154.11), dbSNP rs138392972, ClinGen allele CA6382428.